The following is an entry in ClinVar:

ClinVar aggregate classification (germline): Benign/Likely benign. Review status: criteria provided, multiple submitters, no conflicts (2 of 4 stars). 8 submissions from 8 submitters: Benign (1); Likely benign (6). 1 of the submissions does not count toward it. Last evaluated 2026-01-26.

Conditions:
ALAS2-related disorder. Also called: ALAS2-related condition.
X-linked sideroblastic anemia 1. Also called: Erythroid 5-aminolevulinate synthase deficiency; X chromosome-linked sideroblastic anemia; X-linked pyridoxine-refractory sideroblastic anemia; ANEMIA, SIDEROBLASTIC, 1, PYRIDOXINE REFRACTORY; Anemia, hereditary sideroblastic 1, pyridoxine refractory; Anemia, sideroblastic, 1. Identifiers: Orphanet 75563, MedGen C4551511, MONDO:0020721, OMIM 300751. Disease mechanism: loss of function.

Allele frequency attached by ClinVar (database versions not stated): 1000 Genomes Project 0.00026; 1000 Genomes Project 30x 0.00042; gnomAD 0.00158 and 0.00163; TOPMed 0.00162; ESP Exome Variant Server 0.00208; gnomAD exomes 0.00227 and 0.00257; ExAC 0.00332.
gnomAD v4.1: 2,991 of 1,203,790 alleles (0.25%); highest among the groups gnomAD compares: Admixed American, 0.29%; 5 homozygotes.

Submissions (8):

Labcorp Genetics (formerly Invitae), Labcorp
Classification: Benign. Last evaluated: 2026-01-26. Review status: criteria provided, single submitter. Criteria: Invitae Variant Classification Sherloc (09022015). Collection method: clinical testing. Allele origin: germline.

ARUP Laboratories, Molecular Genetics and Genomics, ARUP Laboratories
Classification: Likely benign. Last evaluated: 2025-05-19. Review status: criteria provided, single submitter. Criteria: ARUP Molecular Germline Variant Investigation Process 2024. Collection method: clinical testing. Allele origin: germline.

Blueprint Genetics
Classification: Likely benign. Last evaluated: 2024-11-28. Review status: criteria provided, single submitter. Criteria: ACMG Guidelines, 2015. Collection method: clinical testing. Allele origin: germline.

GeneDx
Classification: Likely benign. Last evaluated: 2021-01-04. Review status: criteria provided, single submitter. Criteria: GeneDx Variant Classification Process June 2021. Collection method: clinical testing. Allele origin: germline. Affected: yes.
Comment: This variant is associated with the following publications: (PMID: 26562225, 21653323, 22995991, 15678587, 22740690, 30678654, 22269113, 20848343, 15678585, 16121195)

Genetic Services Laboratory, University of Chicago
Classification: Likely benign. Last evaluated: 2017-05-22. Review status: criteria provided, single submitter. Criteria: ACMG Guidelines, 2015. Collection method: clinical testing. Allele origin: germline. Affected: no.

Illumina Laboratory Services, Illumina
Classification: Likely benign for X-linked sideroblastic anemia 1. Last evaluated: 2017-04-27. Review status: criteria provided, single submitter. Criteria: ICSL Variant Classification Criteria 13 December 2019. Collection method: clinical testing. Allele origin: germline.
Comment: This variant was observed as part of a predisposition screen in an ostensibly healthy population. A literature search was performed for the gene, cDNA change, and amino acid change (where applicable). Publications were found based on this search. The evidence from the literature, in combination with allele frequency data from public databases where available, was sufficient to determine this variant is unlikely to cause disease. Therefore, this variant is classified as likely benign.

Breakthrough Genomics
Classification: Likely benign. Review status: criteria provided, single submitter. Criteria: ACMG Guidelines, 2015. Collection method: not provided. Allele origin: germline. Inheritance: X-linked inheritance. Affected: yes.

PreventionGenetics, part of Exact Sciences
Classification: Likely benign for ALAS2-related condition. Last evaluated: 2020-10-12. Review status: no assertion criteria provided. Collection method: clinical testing. Allele origin: germline. Not counted in ClinVar's aggregate classification.
Comment: This variant is classified as likely benign based on ACMG/AMP sequence variant interpretation guidelines (Richards et al. 2015 PMID: 25741868, with internal and published modifications).

Literature cited by the submitters: PubMed 21653323 (cited by Illumina Laboratory Services, Illumina); PubMed 22995991 (cited by Illumina Laboratory Services, Illumina); PubMed 22269113 (cited by Illumina Laboratory Services, Illumina); PubMed 22740690 (cited by Illumina Laboratory Services, Illumina); PubMed 20848343 (cited by Illumina Laboratory Services, Illumina).

NM_000032.5(ALAS2):c.1676G>A (p.Arg559His)

Gene: ALAS2 (5'-aminolevulinate synthase 2; minus strand). Cytogenetic location: Xp11.21.
Variant type: single nucleotide variant.
Coding change: c.1676G>A on transcript NM_000032.5 (MANE Select); coding-DNA position 1676, G replaced by A.
Protein change: p.Arg559His; replaces arginine 559 with histidine.
Molecular consequence: missense variant.
Genome position (GRCh38, 1-based): chrX:55,009,268, C>T on the plus strand (G>A on the coding strand, the complement: ALAS2 is on the minus strand). VCF-style: chrX-55009268-C-T. GRCh37 (hg19) VCF-style: chrX-55035701-C-T.
Other names: p.R559H:CGC>CAC; c.1676G>A, p.Arg559His (LRG_1163t1); c.1565G>A, p.Arg522His (NM_001037967.4); c.1637G>A, p.Arg546His (NM_001037968.4); short protein forms R559H, R546H, R522H.
Identifiers: ClinVar variation 214090 (VCV000214090.25), dbSNP rs145704441, ClinGen allele CA324623.